The following is an entry in ClinVar:

ClinVar aggregate classification (germline): Pathogenic (1 of 4 stars; one submission).

Conditions:
Muscular dystrophy-dystroglycanopathy type B6 (MDDGB6). Also called: MUSCULAR DYSTROPHY-DYSTROGLYCANOPATHY (CONGENITAL WITH IMPAIRED INTELLECTUAL DEVELOPMENT), TYPE B, 6; MUSCULAR DYSTROPHY, CONGENITAL, LARGE-RELATED; MUSCULAR DYSTROPHY, CONGENITAL, TYPE 1D. Identifiers: MedGen C1837229, MONDO:0012138, OMIM 608840.

Submission:

Labcorp Genetics (formerly Invitae), Labcorp
Classification: Pathogenic for Muscular dystrophy-dystroglycanopathy type B6. Last evaluated: 2023-01-11. Review status: criteria provided, single submitter. Criteria: Invitae Variant Classification Sherloc (09022015). Collection method: clinical testing. Allele origin: germline.
Comment: For these reasons, this variant has been classified as Pathogenic. This variant has not been reported in the literature in individuals affected with LARGE1-related conditions. Information on the frequency of this variant in the gnomAD database is not available, as this variant may be reported differently in the database. This sequence change creates a premature translational stop signal (p.Gln539Argfs*4) in the LARGE1 gene. It is expected to result in an absent or disrupted protein product. Loss-of-function variants in LARGE1 are known to be pathogenic (PMID: 12966029, 17878207).

Literature cited by the submitters: PubMed 12966029; PubMed 17878207.

NM_133642.5(LARGE1):c.1616_1620delinsG (p.Gln539fs)

Gene: LARGE1 (LARGE xylosyl- and glucuronyltransferase 1; minus strand). Cytogenetic location: 22q12.3.
Variant type: Indel.
Coding change: c.1616_1620delinsG on transcript NM_133642.5 (MANE Select); coding-DNA positions 1616 to 1620, AGTTC replaced by G.
Protein change: p.Gln539fs; shifts the reading frame from glutamine 539.
Molecular consequence: frameshift variant.
Genome position (GRCh38, 1-based): chr22:33,304,339-33,304,343, GAACT replaced by C on the plus strand (AGTTC replaced by G on the coding strand, the reverse complement: LARGE1 is on the minus strand). VCF-style: chr22-33304339-GAACT-C. GRCh37 (hg19) VCF-style: chr22-33700325-GAACT-C.
Other names: c.1616_1620delinsG, p.Gln539fs (NM_001362949.2, NM_001362951.2, NM_001362953.2 and 6 more transcripts); c.1460_1464delinsG, p.Gln487fs (NM_001378629.1); c.1013_1017delinsG, p.Gln338fs (NM_001378630.1); c.857_861delinsG, p.Gln286fs (NM_001378631.1); short protein forms Q338fs, Q487fs, Q539fs, Q286fs.
Identifiers: ClinVar variation 1956170 (VCV001956170.5), dbSNP rs2546646853, ClinGen allele CA2580099690.